The following is an entry in ClinVar:

ClinVar aggregate classification (germline): Uncertain significance (1 of 4 stars; one submission).

Conditions:
Familial thoracic aortic aneurysm and aortic dissection (TAAD). Also called: Thoracic aortic aneurysms and dissections. Identifiers: Orphanet 91387, MedGen C4707243, MONDO:0019625.

gnomAD v4.1: 1 of 1,614,048 alleles (0.000062%); highest among the groups gnomAD compares: Non-Finnish European, 0.000085%; no homozygotes.

Submission:

Labcorp Genetics (formerly Invitae), Labcorp
Classification: Uncertain significance for Familial thoracic aortic aneurysm and aortic dissection. Last evaluated: 2024-06-26. Review status: criteria provided, single submitter. Criteria: Invitae Variant Classification Sherloc (09022015). Collection method: clinical testing. Allele origin: germline.
Comment: This sequence change replaces arginine, which is basic and polar, with serine, which is neutral and polar, at codon 243 of the SMAD3 protein (p.Arg243Ser). This variant is not present in population databases (gnomAD no frequency). This missense change has been observed in individual(s) with clinical features of thoracic aortic aneurysm and dissection (Invitae). Advanced modeling of protein sequence and biophysical properties (such as structural, functional, and spatial information, amino acid conservation, physicochemical variation, residue mobility, and thermodynamic stability) performed at Invitae indicates that this missense variant is expected to disrupt SMAD3 protein function with a positive predictive value of 80%. This variant disrupts the p.Arg243 amino acid residue in SMAD3. Other variant(s) that disrupt this residue have been determined to be pathogenic (Invitae). This suggests that this residue is clinically significant, and that variants that disrupt this residue are likely to be disease-causing. In summary, the available evidence is currently insufficient to determine the role of this variant in disease. Therefore, it has been classified as a Variant of Uncertain Significance.

NM_005902.4(SMAD3):c.727C>A (p.Arg243Ser)

Gene: SMAD3 (SMAD family member 3; plus strand). Cytogenetic location: 15q22.33.
Variant type: single nucleotide variant.
Coding change: c.727C>A on transcript NM_005902.4 (MANE Select); coding-DNA position 727, C replaced by A.
Protein change: p.Arg243Ser; replaces arginine 243 with serine.
Molecular consequence: missense variant.
Genome position (GRCh38, 1-based): chr15:67,181,309, C>A. VCF-style: chr15-67181309-C-A. GRCh37 (hg19) VCF-style: chr15-67473647-C-A.
Other names: c.412C>A, p.Arg138Ser (NM_001145102.2, NM_001407016.1); c.595C>A, p.Arg199Ser (NM_001145103.2, NM_001407012.1); c.142C>A, p.Arg48Ser (NM_001145104.2, NM_001407017.1); c.727C>A, p.Arg243Ser (NM_001407011.1, NM_001407013.1); c.580C>A, p.Arg194Ser (NM_001407014.1); c.280C>A, p.Arg94Ser (NM_001407015.1); short protein forms R94S, R199S, R138S, R194S, R243S, R48S.
Identifiers: ClinVar variation 3682268 (VCV003682268.2).